The following is an entry in ClinVar:

ClinVar aggregate classification (germline): Benign/Likely benign. Review status: criteria provided, multiple submitters, no conflicts (2 of 4 stars). 19 submissions from 19 submitters: Benign (12); Likely benign (2). 5 of the submissions do not count toward it. Last evaluated 2026-07-01.

Conditions:
Cardiovascular phenotype. Identifiers: MedGen CN230736.
Cardiomyopathy (CMYO). Also called: Cardiomyopathies. Identifiers: Orphanet 167848, MedGen C0878544, MONDO:0004994, HP:0001638. Inheritance: Various modes of inheritance.
Lethal congenital glycogen storage disease of heart. Also called: GLYCOGEN STORAGE DISEASE OF HEART; PHOSPHORYLASE KINASE DEFICIENCY OF HEART. Identifiers: Orphanet 439854, MedGen C1849813, MONDO:0009867, OMIM 261740.
Hypertrophic cardiomyopathy. Also called: HYPERTROPHIC MYOCARDIOPATHY. Identifiers: Orphanet 217569, MedGen C0007194, MeSH D002312, MONDO:0005045, HP:0001639.

Allele frequency attached by ClinVar (database versions not stated): 1000 Genomes Project 30x 0.00375; 1000 Genomes Project 0.00379; TOPMed 0.00485; gnomAD 0.00493 and 0.00453; ESP Exome Variant Server 0.00623.
gnomAD v4.1: 1,401 of 1,614,188 alleles (0.087%); highest among the groups gnomAD compares: African/African-American, 1.6%; 10 homozygotes.

Submissions (19):

CeGaT Center for Human Genetics Tuebingen
Classification: Likely benign. Last evaluated: 2026-07-01. Review status: criteria provided, single submitter. Criteria: CeGaT Center For Human Genetics Tuebingen Variant Classification Criteria Version 2. Collection method: clinical testing. Allele origin: germline. Affected: yes. Observed: 6 variant alleles.
Comment: PRKAG2: BP4, BP7, BS1

Labcorp Genetics (formerly Invitae), Labcorp
Classification: Benign for Lethal congenital glycogen storage disease of heart. Last evaluated: 2026-02-03. Review status: criteria provided, single submitter. Criteria: Invitae Variant Classification Sherloc (09022015). Collection method: clinical testing. Allele origin: germline.

ARUP Laboratories, Molecular Genetics and Genomics, ARUP Laboratories
Classification: Benign. Last evaluated: 2025-05-20. Review status: criteria provided, single submitter. Criteria: ARUP Molecular Germline Variant Investigation Process 2024. Collection method: clinical testing. Allele origin: germline.

Molecular Diagnostic Laboratory for Inherited Cardiovascular Disease, Montreal Heart Institute
Classification: Benign. Last evaluated: 2025-04-09. Review status: criteria provided, single submitter. Criteria: ACMG Guidelines, 2015. Collection method: clinical testing. Allele origin: germline. Affected: no.

Blueprint Genetics
Classification: Likely benign. Last evaluated: 2024-09-30. Review status: criteria provided, single submitter. Criteria: ACMG Guidelines, 2015. Collection method: clinical testing. Allele origin: germline.

All of Us Research Program, National Institutes of Health
Classification: Benign for Hypertrophic cardiomyopathy. Last evaluated: 2024-02-05. Review status: criteria provided, single submitter. Criteria: ACMG Guidelines, 2015. Collection method: clinical testing. Allele origin: germline. Inheritance: Autosomal dominant inheritance. Observed: 272 variant alleles, 270 heterozygotes, 2 homozygotes.
Comment: This study involves interpretation of variants in research participants for the purpose of population health screening. Participant phenotype was not available at the time of variant classification. Additional details can be found in publication PMID: 35346344, PMCID: PMC8962531

Mayo Clinic Laboratories, Mayo Clinic
Classification: Benign. Last evaluated: 2021-06-09. Review status: criteria provided, single submitter. Criteria: ACMG Guidelines, 2015. Collection method: clinical testing. Allele origin: germline. Observed: 16 variant alleles.

Women's Health and Genetics/Laboratory Corporation of America, LabCorp
Classification: Benign. Last evaluated: 2018-08-14. Review status: criteria provided, single submitter. Criteria: LabCorp Variant Classification Summary - May 2015. Collection method: clinical testing. Allele origin: germline.
Comment: Variant summary: PRKAG2 c.639C>T alters a non-conserved nucleotide resulting in a synonymous change. 5/5 computational tools predict no significant impact on normal splicing. However, these predictions have yet to be confirmed by functional studies. The variant allele was found at a frequency of 0.0015 in 277086 control chromosomes, predominantly at a frequency of 0.016 within the African subpopulation in the gnomAD database, including 5 homozygotes. The observed variant frequency within African control individuals in the gnomAD database is approximately 640-folds higher than the estimated maximal expected allele frequency for a pathogenic variant in PRKAG2 causing Cardiomyopathy phenotype (2.5e-05), strongly suggesting that the variant is a benign polymorphism found primarily in populations of African origin. A ClinVar submission from another clinical diagnostic laboratory (evaluation after 2014) cites the variant as "benign." Based on the evidence outlined above, the variant was classified as benign.

Color Diagnostics, LLC DBA Color Health
Classification: Benign for Cardiomyopathy. Last evaluated: 2018-03-08. Review status: criteria provided, single submitter. Criteria: ACMG Guidelines, 2015. Collection method: clinical testing. Allele origin: germline.

CHEO Genetics Diagnostic Laboratory, Children's Hospital of Eastern Ontario
Classification: Benign for Cardiomyopathy. Last evaluated: 2016-08-19. Review status: criteria provided, single submitter. Criteria: ACMG Guidelines, 2015. Collection method: clinical testing. Allele origin: germline. Study: Canadian Open Genetics Repository.

GeneDx
Classification: Benign. Last evaluated: 2015-03-03. Review status: criteria provided, single submitter. Criteria: GeneDx Variant Classification Process June 2021. Collection method: clinical testing. Allele origin: germline. Affected: yes.

Ambry Genetics
Classification: Benign for Cardiovascular phenotype. Last evaluated: 2014-12-08. Review status: criteria provided, single submitter. Criteria: Ambry Variant Classification Scheme 2023. Collection method: clinical testing. Allele origin: germline.

Laboratory for Molecular Medicine, Mass General Brigham Personalized Medicine
Classification: Benign. Last evaluated: 2012-03-16. Review status: criteria provided, single submitter. Criteria: LMM Criteria. Collection method: clinical testing. Allele origin: germline. Observed: 26 variant alleles.
Comment: Thr213Thr in exon 4 of PRKAG2: This variant is not expected to have clinical si gnificance because it does not alter an amino acid residue, is not located near a splice junction, and has been identified in 1.9% (71/3738) of African American chromosomes from a broad population by the NHLBI Exome Sequencing Project (dbSNP rs140001300).

Breakthrough Genomics
Classification: Benign. Review status: criteria provided, single submitter. Criteria: ACMG Guidelines, 2015. Collection method: not provided. Allele origin: germline. Inheritance: Autosomal dominant inheritance. Affected: yes.

Cohesion Phenomics
Classification: Benign for Hypertrophic Cardiomyopathy. Last evaluated: 2022-09-29. Review status: no assertion criteria provided. Criteria: ACMG Guidelines, 2015. Collection method: clinical testing. Allele origin: germline. Affected: yes. Not counted in ClinVar's aggregate classification.

Clinical Genetics DNA and cytogenetics Diagnostics Lab, Erasmus MC, Erasmus Medical Center
Classification: Benign. Review status: no assertion criteria provided. Collection method: clinical testing. Allele origin: germline. Affected: yes. Study: VKGL Data-share Consensus. Not counted in ClinVar's aggregate classification.

Clinical Genetics, Academic Medical Center
Classification: Benign. Review status: no assertion criteria provided. Collection method: clinical testing. Allele origin: germline. Affected: yes. Study: VKGL Data-share Consensus. Not counted in ClinVar's aggregate classification.

Diagnostic Laboratory, Department of Genetics, University Medical Center Groningen
Classification: Benign. Review status: no assertion criteria provided. Collection method: clinical testing. Allele origin: germline. Affected: yes. Study: VKGL Data-share Consensus. Not counted in ClinVar's aggregate classification.

Joint Genome Diagnostic Labs from Nijmegen and Maastricht, Radboudumc and MUMC+
Classification: Benign. Review status: no assertion criteria provided. Collection method: clinical testing. Allele origin: germline. Affected: yes. Study: VKGL Data-share Consensus. Not counted in ClinVar's aggregate classification.

NM_016203.4(PRKAG2):c.639C>T (p.Thr213=)

Gene: PRKAG2 (protein kinase AMP-activated non-catalytic subunit gamma 2; minus strand). Cytogenetic location: 7q36.1.
Variant type: single nucleotide variant.
Coding change: c.639C>T on transcript NM_016203.4 (MANE Select); coding-DNA position 639, C replaced by T.
Protein change: p.Thr213=; no amino-acid change (threonine 213 retained).
Molecular consequence: synonymous variant.
Genome position (GRCh38, 1-based): chr7:151,675,465, G>A on the plus strand (C>T on the coding strand, the complement: PRKAG2 is on the minus strand). VCF-style: chr7-151675465-G-A. GRCh37 (hg19) VCF-style: chr7-151372551-G-A.
Other names: p.Thr213=; c.507C>T, p.Thr169= (NM_001040633.2); c.267C>T, p.Thr89= (NM_001304527.2, NM_001363698.2).
Identifiers: ClinVar variation 45730 (VCV000045730.74), dbSNP rs140001300, ClinGen allele CA014442.
Genomic context (GRCh38, chr7:151,675,465, plus strand): 5'-AGGGCCCAGACTTACGGCTTTGGAGGGAGCATAGTGTGTCGGTGATGCCAGTGGAGGCCT[G>A]GTCGGGCTCTGGAAGGAAGACGGGCAGAACCTCTGCCCTGTGTCCGGGGGGGAAGACGAG-3'
Protein context (NP_057287.2, residues 203-223): RFCPSSFQSP[Thr213=]RPPLASPTHY